The following is an entry in ClinVar:

ClinVar aggregate classification (germline): Pathogenic (1 of 4 stars; one submission).

Conditions:
Juvenile polyposis syndrome (JPS). Identifiers: Orphanet 2929, MedGen C0345893, MONDO:0017380, OMIM 174900.

Submission:

Labcorp Genetics (formerly Invitae), Labcorp
Classification: Pathogenic for Juvenile polyposis syndrome. Last evaluated: 2023-10-17. Review status: criteria provided, single submitter. Criteria: Invitae Variant Classification Sherloc (09022015). Collection method: clinical testing. Allele origin: germline.
Comment: This sequence change creates a premature translational stop signal (p.Lys70Tyrfs*31) in the SMAD4 gene. It is expected to result in an absent or disrupted protein product. Loss-of-function variants in SMAD4 are known to be pathogenic (PMID: 16152648, 16436638, 22810475). This variant is not present in population databases (gnomAD no frequency). This variant has not been reported in the literature in individuals affected with SMAD4-related conditions. For these reasons, this variant has been classified as Pathogenic.

Literature cited by the submitters: PubMed 16152648; PubMed 16436638; PubMed 22810475.

NM_005359.6(SMAD4):c.208_215del (p.Lys70fs)

Gene: SMAD4 (SMAD family member 4; plus strand). Cytogenetic location: 18q21.2.
Variant type: Deletion.
Coding change: c.208_215del on transcript NM_005359.6 (MANE Select); coding-DNA positions 208 to 215, 8 bases deleted (AAATGTGT; older notation c.208_215delAAATGTGT).
Protein change: p.Lys70fs; shifts the reading frame from lysine 70.
Molecular consequence: frameshift variant. On other transcripts: non-coding transcript variant (2).
Genome position (GRCh38, 1-based): chr18:51,047,254-51,047,261, AAATGTGT deleted; deleting any 8 consecutive bases within chr18:51,047,252-51,047,261 gives the same sequence; the c. name uses the placement nearest the transcript's 3' end. VCF-style (leftmost placement, unchanged base first): chr18-51047251-AGTAAATGT-A. GRCh37 (hg19) VCF-style: chr18-48573621-AGTAAATGT-A.
Other names: c.208_215del, p.Lys70fs (NM_001407041.1, NM_001407042.1, NM_001407043.1); short protein forms K70fs.
Identifiers: ClinVar variation 2769594 (VCV002769594.3), dbSNP rs2511367949, ClinGen allele CA2697555502.